The following is an entry in ClinVar:

NM_001162501.2(TNRC6B):c.2242G>A (p.Gly748Ser)

Gene: TNRC6B (trinucleotide repeat containing adaptor 6B; plus strand). Cytogenetic location: 22q13.1.
Variant type: single nucleotide variant.
Coding change: c.2242G>A on transcript NM_001162501.2 (MANE Select); coding-DNA position 2242, G replaced by A.
Protein change: p.Gly748Ser; replaces glycine 748 with serine.
Molecular consequence: missense variant. On other transcripts: intron variant (1).
Genome position (GRCh38, 1-based): chr22:40,266,472, G>A. VCF-style: chr22-40266472-G-A. GRCh37 (hg19) VCF-style: chr22-40662476-G-A.
Other names: c.2242G>A, p.Gly748Ser (NM_015088.3); c.566-3650G>A (NM_001024843.2); c.2242G>A (NM_001162501.1); short protein forms G748S.
Identifiers: ClinVar variation 3391205 (VCV003391205.2).
Genomic context (GRCh38, chr22:40,266,472, plus strand): 5'-AAGGATCAGGGGTGGGGAGGTGGACGCCAGCCCAATCAAGGATGGTCTTCTGGAAAGAAT[G>A]GTTGGGGGGAGGAAGTCGATCAGACAAAAAACAGCAATTGGGAAAGTTCTGCAAGTAAAC-3'
Protein context (NP_001155973.1, residues 738-758): PNQGWSSGKN[Gly748Ser]WGEEVDQTKN

ClinVar aggregate classification (germline): Uncertain significance. Review status: criteria provided, multiple submitters, no conflicts (2 of 4 stars). 2 submissions from 2 submitters: Uncertain significance (2). Last evaluated 2024-09-11.

Conditions:
Inborn genetic diseases. Identifiers: MedGen C0950123, MeSH D030342.
Global developmental delay with speech and behavioral abnormalities. Identifiers: MedGen C5543226, MONDO:0030995, OMIM 619243.

gnomAD v4.1: 10 of 1,613,870 alleles (0.00062%); highest among the groups gnomAD compares: South Asian, 0.0088%; no homozygotes.

Submissions (2):

Ambry Genetics
Classification: Uncertain significance for Inborn genetic diseases. Last evaluated: 2024-09-11. Review status: criteria provided, single submitter. Criteria: Ambry Variant Classification Scheme 2023. Collection method: clinical testing. Allele origin: germline.

Neuberg Centre For Genomic Medicine, NCGM
Classification: Uncertain significance for Global developmental delay with speech and behavioral abnormalities. Last evaluated: 2023-07-22. Review status: criteria provided, single submitter. Criteria: ACMG Guidelines, 2015. Collection method: clinical testing. Allele origin: germline. Inheritance: Autosomal dominant inheritance. Affected: yes.
Comment: The observed missense variant in gene has not been reported previously as a pathogenic variant nor as a benign variant, to our knowledge. This variant is reported with the allele frequency of 0.002% in the gnomAD Exomes. The amino acid Gly at position 748 is changed to a Ser changing protein sequence and it might alter its composition and physico-chemical properties. The amino acid change p.Gly748Ser in TNRC6B is predicted as conserved by GERP++ and PhyloP across 100 vertebrates. Computational evidence Polyphen - Possibly Damaging and Benign, SIFT - Tolerated, and MutationTaster - Disease causing predicts conflicting evidence on protein structure and function for this variant. For these reasons, this variant has been classified as Uncertain Significance.